The following is an entry in ClinVar:

NM_003073.5(SMARCB1):c.622A>T (p.Met208Leu)

Gene: SMARCB1 (SWI/SNF related BAF chromatin remodeling complex subunit B1; plus strand). Cytogenetic location: 22q11.23.
Variant type: single nucleotide variant.
Coding change: c.622A>T on transcript NM_003073.5 (MANE Select); coding-DNA position 622, A replaced by T.
Protein change: p.Met208Leu; replaces methionine 208 with leucine.
Molecular consequence: missense variant.
Genome position (GRCh38, 1-based): chr22:23,803,416, A>T. VCF-style: chr22-23803416-A-T. GRCh37 (hg19) VCF-style: chr22-24145603-A-T.
Other names: c.595A>T, p.Met199Leu (NM_001007468.3); c.649A>T, p.Met217Leu (NM_001317946.2); c.676A>T, p.Met226Leu (NM_001362877.2); short protein forms M226L, M208L, M199L, M217L.
Identifiers: ClinVar variation 3798948 (VCV003798948.1).

ClinVar aggregate classification (germline): Uncertain significance (1 of 4 stars; one submission).

Conditions:
Hereditary cancer-predisposing syndrome. Also called: Neoplastic Syndromes, Hereditary; Hereditary Cancer Syndrome; Tumor predisposition; Hereditary neoplastic syndrome. Identifiers: Orphanet 140162, MedGen C0027672, MeSH D009386, MONDO:0015356.

gnomAD v4.1: 3 of 1,614,134 alleles (0.00019%); highest among the groups gnomAD compares: Non-Finnish European, 0.00025%; no homozygotes.

Submission:

Ambry Genetics
Classification: Uncertain significance for Hereditary cancer-predisposing syndrome. Last evaluated: 2025-03-03. Review status: criteria provided, single submitter. Criteria: Ambry Variant Classification Scheme 2023. Collection method: clinical testing. Allele origin: germline.
Comment: The p.M208L variant (also known as c.622A>T), located in coding exon 5 of the SMARCB1 gene, results from an A to T substitution at nucleotide position 622. The methionine at codon 208 is replaced by leucine, an amino acid with highly similar properties. This amino acid position is conserved. In addition, the in silico prediction for this alteration is inconclusive. Based on the available evidence, the clinical significance of this variant remains unclear.